The following is an entry in ClinVar:

ClinVar aggregate classification (germline): Likely pathogenic. Review status: criteria provided, multiple submitters, no conflicts (2 of 4 stars). 6 submissions from 6 submitters: Likely pathogenic (6). Last evaluated 2026-02-10.

Conditions:
TTN-related disorder. Also called: TTN-related disorders; TTN-related condition; TTN-related disease.
Cardiovascular phenotype. Identifiers: MedGen CN230736.
Dilated cardiomyopathy 1G (CMD1G). Identifiers: Orphanet 154, MedGen C1858763, MONDO:0011400, OMIM 604145.
Autosomal recessive limb-girdle muscular dystrophy type 2J (LGMDR10). Also called: Limb-girdle muscular dystrophy, type 2J; MUSCULAR DYSTROPHY, LIMB-GIRDLE, AUTOSOMAL RECESSIVE 10. Identifiers: Orphanet 140922, MedGen C1837342, MONDO:0012127, OMIM 608807.
Cardiomyopathy (CMYO). Also called: Cardiomyopathies. Identifiers: Orphanet 167848, MedGen C0878544, MONDO:0004994, HP:0001638. Inheritance: Various modes of inheritance.
Primary dilated cardiomyopathy (DCM). Also called: Dilated Cardiomyopathy. Identifiers: Orphanet 217604, MedGen C0007193, MeSH D002311, MONDO:0005021, HP:0001644. Inheritance: Various modes of inheritance.

Allele frequency attached by ClinVar (database versions not stated): gnomAD exomes below 0.00001; gnomAD 0.00001; TOPMed 0.00001.
gnomAD v4.1: 8 of 1,610,672 alleles (0.0005%); highest among the groups gnomAD compares: Non-Finnish European, 0.00059%; no homozygotes.

Submissions (6):

PreventionGenetics, part of Exact Sciences
Classification: Likely pathogenic for TTN-related condition. Last evaluated: 2026-02-10. Review status: criteria provided, single submitter. Criteria: ACMG Guidelines, 2015. Collection method: clinical testing. Allele origin: germline.
Comment: The TTN c.58732+2T>C variant is predicted to disrupt the GT donor site and interfere with normal splicing. This variant has been reported in multiple individuals with dilated cardiomyopathy (Table S1, Roberts et al. 2015. PubMed ID: 25589632; Table S2, Akhtar et al. 2020. PubMed ID: 32964742; Table S4, Bourfiss et al. 2022. PubMed ID: 36264615; Table S9, McGurk et al. 2023. PubMed ID: 37652022). This variant has not been reported in a large population database (gnomAD), indicating this variant is rare. This variant affects the splice donor site of an exon that is located in the A-band region of the protein in which truncating TTN variants have been found more frequently in dilated cardiomyopathy patients than in controls (Herman et al. 2012. PubMed ID: 22335739). RNAseq studies from heart tissue indicate this exon is commonly included in TTN mRNA transcripts (PSI of 89%-100%, Roberts et al. 2015. PubMed ID: 25589632). TTN loss-of-function variants occurring in constitutively expressed exons (PSI > 90%) are more likely to be disease causing for TTN cardiac-related disorders regardless of band location (Roberts et al. 2015. PubMed ID: 25589632; Schafer et al. 2017. PubMed ID: 27869827; Akhtar et al. 2020. PubMed ID: 32964742). Many cases of recessive TTN-related myopathies in which the individual is compound heterozygous for two loss-of-function variants in TTN have also been reported (Oates et al. 2018. PubMed ID: 29691892; Ge et al. 2019. PubMed ID: 31053406; Rees et al. 2021. PubMed ID: 33449170). In summary, this variant is categorized as likely pathogenic. Of note, this variant is considered likely pathogenic for increased risk of TTN-related cardiac disorders, and also for autosomal recessive TTN-related congenital titinopathies.

GeneDx
Classification: Likely pathogenic. Last evaluated: 2025-11-25. Review status: criteria provided, single submitter. Criteria: GeneDx Variant Classification Process June 2021. Collection method: clinical testing. Allele origin: germline. Affected: yes.
Comment: Canonical splice site variant predicted to result in an in-frame loss of the adjacent exon in a gene for which loss of function is a known mechanism of disease; Not observed at significant frequency in large population cohorts (gnomAD); Located in the A-band, a region of TTN for which truncating variants are significantly associated with autosomal dominant cardiomyopathy and also with autosomal recessive skeletal myopathies (PMID: 22335739, 32778822); This variant is associated with the following publications: (PMID: 23975875, 32964742, 31983221, 31251381, 36264615, 37652022, 38438525, 25589632, 22335739, 32778822, 39472908)

Labcorp Genetics (formerly Invitae), Labcorp
Classification: Likely pathogenic for Dilated cardiomyopathy 1G; Autosomal recessive limb-girdle muscular dystrophy type 2J. Last evaluated: 2025-10-02. Review status: criteria provided, single submitter. Criteria: Invitae Variant Classification Sherloc (09022015). Collection method: clinical testing. Allele origin: germline.
Comment: This sequence change affects a donor splice site in intron 298 of the TTN gene. It is expected to disrupt RNA splicing and likely results in a truncated or disrupted TTN protein. This variant is not present in population databases (gnomAD no frequency). Disruption of this splice site has been observed in individual(s) with clinical features of dilated cardiomyopathy (PMID: 3125138, 25589632, 32964742, 37652022; internal data). ClinVar contains an entry for this variant (Variation ID: 223287). Algorithms developed to predict the effect of sequence changes on RNA splicing suggest that this variant may disrupt the consensus splice site. This variant is located in the A band of TTN (PMID: 25589632). Truncating variants in this region are significantly overrepresented in patients affected with dilated cardiomyopathy (PMID: 25589632). Truncating variants in this region have also been reported in individuals affected with autosomal recessive centronuclear myopathy (PMID: 23975875). In summary, the currently available evidence indicates that the variant is pathogenic, but additional data are needed to prove that conclusively. Therefore, this variant has been classified as Likely Pathogenic.

Ambry Genetics
Classification: Likely pathogenic for Cardiovascular phenotype. Last evaluated: 2025-04-17. Review status: criteria provided, single submitter. Criteria: Ambry Variant Classification Scheme 2023. Collection method: clinical testing. Allele origin: germline.
Comment: The c.31537+2T>C intronic variant results from a T to C substitution two nucleotides after coding exon 125 in the TTN gene. This nucleotide position is highly conserved in available vertebrate species. In silico splice site analysis predicts that this alteration will weaken the native splice donor site. Exon 125 is located in the A-band region of the N2-B isoform of the titin protein and is constitutively expressed in TTN transcripts (percent spliced in or PSI 100%). This variant (referred to as NM_001267550.1: c.58732+2T>C) was reported in individual(s) with features consistent with dilated cardiomyopathy (Roberts AM et al. Sci Transl Med, 2015 Jan;7:270ra6; Akhtar MM et al. Circ Heart Fail, 2020 10;13:e006832; Ambry internal data). This variant is considered to be rare based on population cohorts in the Genome Aggregation Database (gnomAD). This alteration disrupts the canonical splice site and is expected to cause aberrant splicing, resulting in an abnormal protein or a transcript that is subject to nonsense-mediated mRNA decay. While truncating variants in TTN are present in 1-3% of the general population, truncating variants in the A-band are the most common cause of dilated cardiomyopathy (Herman DS et al. N. Engl. J. Med., 2012 Feb;366:619-28; Roberts AM et al. Sci Transl Med, 2015 Jan;7:270ra6). TTN truncating variants encoded in constitutive exons (PSI >90%) have been found to be significantly associated with DCM regardless of their position in titin (Schafer S et al. Nat. Genet., 2017 01;49:46-53; Akhtar MM et al. Circ Heart Fail, 2020 Oct;13:e006832; Massier M et al. Clin Genet, 2025 Jan). Based on the majority of available evidence to date, this variant is likely to be pathogenic.

CHEO Genetics Diagnostic Laboratory, Children's Hospital of Eastern Ontario
Classification: Likely pathogenic for Cardiomyopathy. Last evaluated: 2017-09-18. Review status: criteria provided, single submitter. Criteria: ACMG Guidelines, 2015. Collection method: clinical testing. Allele origin: germline. Study: Canadian Open Genetics Repository.

Cardiovascular Biomedical Research Unit, Royal Brompton & Harefield NHS Foundation Trust
Classification: Likely pathogenic for Primary dilated cardiomyopathy. Last evaluated: 2014-10-08. Review status: criteria provided, single submitter. Criteria: Roberts et al. 2015. Collection method: research. Allele origin: germline. Inheritance: Autosomal dominant inheritance. Affected: yes. Observed: 1 variant allele. Study: Unselected DCM.
Comment: In the seven cohorts assessed, TTNtv were found in 14% of ambulant DCM, 22% end-stage or familial DCM, and 2% controls. Heterozygous nonsense, frameshift and canonical splice-disrupting variants found in constitutive and other highly utilised exons are highly likely to be pathogenic when identified in individuals with phenotypically confirmed DCM. TTNtv found incidentally in healthy individuals (excluding familial assessment of DCM relatives) are thought to have low penetrance, particularly when identified in exons that are not constitutively expressed in the heart.

Literature cited by the submitters: PubMed 3125138 (cited by Labcorp Genetics (formerly Invitae), Labcorp); PubMed 25589632 (cited by Labcorp Genetics (formerly Invitae), Labcorp and Ambry Genetics); PubMed 32964742 (cited by Labcorp Genetics (formerly Invitae), Labcorp and Ambry Genetics); PubMed 37652022 (cited by Labcorp Genetics (formerly Invitae), Labcorp); PubMed 23975875 (cited by Labcorp Genetics (formerly Invitae), Labcorp).

NM_001267550.2(TTN):c.58732+2T>C

Genes: TTN (titin; minus strand), TTN-AS1 (TTN antisense RNA 1; plus strand). Cytogenetic location: 2q31.2.
Variant type: single nucleotide variant.
Coding change: c.58732+2T>C on transcript NM_001267550.2 (MANE Select); the canonical splice donor site of the intron after coding-DNA position 58732, T replaced by C.
Molecular consequence: splice donor variant.
Genome position (GRCh38, 1-based): chr2:178,593,566, A>G on the plus strand (T>C on the coding strand, the complement: TTN is on the minus strand). VCF-style: chr2-178593566-A-G. GRCh37 (hg19) VCF-style: chr2-179458293-A-G.
Other names: c.58732+2T>C (LRG_391t1); c.31537+2T>C (NM_003319.4); c.32113+2T>C (NM_133437.4); c.31912+2T>C (NM_133432.3); c.51028+2T>C (NM_133378.4); c.53809+2T>C (NM_001256850.1).
Identifiers: ClinVar variation 223287 (VCV000223287.16), dbSNP rs869312054, ClinGen allele CA353066.